The following is an entry in ClinVar:

ClinVar aggregate classification (germline): Likely benign. Review status: criteria provided, multiple submitters, no conflicts (2 of 4 stars). 3 submissions from 3 submitters: Likely benign (3). Last evaluated 2025-10-17.

Conditions:
CAV3-related disorder. Also called: CAV3-related condition.
Cardiovascular phenotype. Identifiers: MedGen CN230736.
Long QT syndrome (LQTS). Identifiers: MedGen C0023976, MeSH D008133, MONDO:0002442. Disease mechanism: loss of function. Inheritance: Various modes of inheritance.

Allele frequency attached by ClinVar (database versions not stated): gnomAD exomes below 0.00001; gnomAD 0.00002 and 0.00003; TOPMed 0.00003.
gnomAD v4.1: 7 of 1,612,398 alleles (0.00043%); highest among the groups gnomAD compares: Admixed American, 0.0067%; no homozygotes.

Submissions (3):

Labcorp Genetics (formerly Invitae), Labcorp
Classification: Likely benign for Long QT syndrome. Last evaluated: 2025-10-17. Review status: criteria provided, single submitter. Criteria: Invitae Variant Classification Sherloc (09022015). Collection method: clinical testing. Allele origin: germline.

PreventionGenetics, part of Exact Sciences
Classification: Likely benign for CAV3-related condition. Last evaluated: 2025-08-18. Review status: criteria provided, single submitter. Criteria: ACMG Guidelines, 2015. Collection method: clinical testing. Allele origin: germline.
Comment: This variant is classified as likely benign based on ACMG/AMP sequence variant interpretation guidelines (Richards et al. 2015 PMID: 25741868, with internal and published modifications).

Ambry Genetics
Classification: Likely benign for Cardiovascular phenotype. Last evaluated: 2018-09-04. Review status: criteria provided, single submitter. Criteria: Ambry Variant Classification Scheme 2023. Collection method: clinical testing. Allele origin: germline.

NM_033337.3(CAV3):c.438G>A (p.Val146=)

Genes: CAV3 (caveolin 3; plus strand), OXTR (oxytocin receptor; minus strand). Cytogenetic location: 3p25.3.
Variant type: single nucleotide variant.
Coding change: c.438G>A on transcript NM_033337.3 (MANE Select); coding-DNA position 438, G replaced by A.
Protein change: p.Val146=; no amino-acid change (valine 146 retained).
Molecular consequence: synonymous variant.
Genome position (GRCh38, 1-based): chr3:8,745,849, G>A. VCF-style: chr3-8745849-G-A. GRCh37 (hg19) VCF-style: chr3-8787535-G-A.
Other names: c.438G>A, p.Val146= (NM_001234.5).
Identifiers: ClinVar variation 760864 (VCV000760864.10), dbSNP rs1575478070, ClinGen allele CA432526571.